The following is an entry in ClinVar:

ClinVar aggregate classification (germline): Benign. Review status: criteria provided, multiple submitters, no conflicts (2 of 4 stars). 7 submissions from 6 submitters: Benign (7). Last evaluated 2026-02-03.

Conditions:
Gillessen-Kaesbach-Nishimura syndrome (GIKANIS). Identifiers: MedGen C1849762, MONDO:0009890, OMIM 263210.
ALG9 congenital disorder of glycosylation (CDG1L). Also called: CDG Il; CONGENITAL DISORDER OF GLYCOSYLATION, TYPE Il; ALG9-CDG. Identifiers: Orphanet 79328, MedGen C2931006, MONDO:0012117, OMIM 608776.

Allele frequency attached by ClinVar (database versions not stated): ESP Exome Variant Server 0.26369; TOPMed 0.28509; gnomAD 0.28588 and 0.29265; 1000 Genomes Project 30x 0.31371; 1000 Genomes Project 0.32648; gnomAD exomes 0.34213 and 0.35648; ExAC 0.35099.
gnomAD v4.1: 543,760 of 1,612,176 alleles (34%); highest among the groups gnomAD compares: East Asian, 59%; 95,607 homozygotes.

Submissions (7):

Labcorp Genetics (formerly Invitae), Labcorp
Classification: Benign for ALG9 congenital disorder of glycosylation. Last evaluated: 2026-02-03. Review status: criteria provided, single submitter. Criteria: Invitae Variant Classification Sherloc (09022015). Collection method: clinical testing. Allele origin: germline.

Mayo Clinic Laboratories, Mayo Clinic
Classification: Benign. Last evaluated: 2022-03-09. Review status: criteria provided, single submitter. Criteria: ACMG Guidelines, 2015. Collection method: clinical testing. Allele origin: germline. Observed: 219 variant alleles.

Genome-Nilou Lab
Classification: Benign for ALG9 congenital disorder of glycosylation. Last evaluated: 2021-07-14. Review status: criteria provided, single submitter. Criteria: ACMG Guidelines, 2015. Collection method: clinical testing. Allele origin: germline. Affected: no.

Genome-Nilou Lab
Classification: Benign for Gillessen-Kaesbach-Nishimura syndrome. Last evaluated: 2021-07-14. Review status: criteria provided, single submitter. Criteria: ACMG Guidelines, 2015. Collection method: clinical testing. Allele origin: germline. Affected: no.

Mendelics
Classification: Benign for ALG9 congenital disorder of glycosylation. Last evaluated: 2019-05-28. Review status: criteria provided, single submitter. Criteria: Mendelics Assertion Criteria 2017. Collection method: clinical testing. Allele origin: unknown.

GeneDx
Classification: Benign. Last evaluated: 2015-12-02. Review status: criteria provided, single submitter. Criteria: GeneDx Variant Classification (06012015). Collection method: clinical testing. Allele origin: germline. Affected: yes.
Comment: This variant is considered likely benign or benign based on one or more of the following criteria: it is a conservative change, it occurs at a poorly conserved position in the protein, it is predicted to be benign by multiple in silico algorithms, and/or has population frequency not consistent with disease.

Breakthrough Genomics
Classification: Benign. Review status: criteria provided, single submitter. Criteria: ACMG Guidelines, 2015. Collection method: not provided. Allele origin: germline. Inheritance: Autosomal recessive inheritance. Affected: yes.

NM_024740.2(ALG9):c.865G>A (p.Val289Ile)

Gene: ALG9 (ALG9 alpha-1,2-mannosyltransferase; minus strand). Cytogenetic location: 11q23.1.
Variant type: single nucleotide variant.
Coding change: c.865G>A on transcript NM_024740.2 (MANE Select); coding-DNA position 865, G replaced by A.
Protein change: p.Val289Ile; replaces valine 289 with isoleucine.
Molecular consequence: missense variant. On other transcripts: non-coding transcript variant (1).
Genome position (GRCh38, 1-based): chr11:111,853,410, C>T on the plus strand (G>A on the coding strand, the complement: ALG9 is on the minus strand). VCF-style: chr11-111853410-C-T. GRCh37 (hg19) VCF-style: chr11-111724133-C-T.
Other names: p.Val289Ile; c.865G>A, p.Val289Ile (NM_001077690.1, NM_001352417.1, NM_001352418.1); c.352G>A, p.Val118Ile (NM_001077691.2, NM_001077692.2, NM_001352409.1 and 11 more transcripts); c.277G>A, p.Val93Ile (NM_001352422.2); short protein forms V289I, V93I, V118I.
Identifiers: ClinVar variation 379945 (VCV000379945.16), dbSNP rs10502151, ClinGen allele CA6274543.